The following is an entry in ClinVar:

NM_004525.3(LRP2):c.8941G>A (p.Gly2981Ser)

Gene: LRP2 (LDL receptor related protein 2; minus strand). Cytogenetic location: 2q31.1.
Variant type: single nucleotide variant.
Coding change: c.8941G>A on transcript NM_004525.3 (MANE Select); coding-DNA position 8941, G replaced by A.
Protein change: p.Gly2981Ser; replaces glycine 2981 with serine.
Molecular consequence: missense variant.
Genome position (GRCh38, 1-based): chr2:169,191,923, C>T on the plus strand (G>A on the coding strand, the complement: LRP2 is on the minus strand). VCF-style: chr2-169191923-C-T. GRCh37 (hg19) VCF-style: chr2-170048433-C-T.
Other names: short protein forms G2981S.
Identifiers: ClinVar variation 4984192 (VCV004984192.1).

ClinVar aggregate classification (germline): Uncertain significance (1 of 4 stars; one submission).

Conditions:
LRP2-related disorder. Also called: LRP2-related condition.

gnomAD v4.1: 30 of 1,613,930 alleles (0.0019%); highest among the groups gnomAD compares: Non-Finnish European, 0.0024%; no homozygotes.

Submission:

PreventionGenetics, part of Exact Sciences
Classification: Uncertain significance for LRP2-related condition. Last evaluated: 2026-06-30. Review status: criteria provided, single submitter. Criteria: ACMG Guidelines, 2015. Collection method: clinical testing. Allele origin: germline.
Comment: The LRP2 c.8941G>A variant is predicted to result in the amino acid substitution p.Gly2981Ser. To our knowledge, this variant has not been reported in the literature. This variant is reported in 0.00088% of alleles in individuals of European (Non-Finnish) descent in gnomAD. At this time, the clinical significance of this variant is uncertain due to the absence of conclusive functional and genetic evidence.